The following is an entry in ClinVar:

ClinVar aggregate classification (germline): Likely benign. Review status: criteria provided, single submitter (1 of 4 stars). 2 submissions from 2 submitters: Likely benign (1). 1 of the submissions does not count toward it. Last evaluated 2025-02-15.

Conditions:
SLX4-related disorder. Also called: SLX4-related condition.
Fanconi anemia (FA). Also called: Fanconi's anemia. Identifiers: Orphanet 84, MedGen C0015625, MeSH D005199, MONDO:0019391.

Allele frequency attached by ClinVar (database versions not stated): gnomAD exomes below 0.00001.
gnomAD v4.1: 1 of 1,614,194 alleles (0.000062%); highest among the groups gnomAD compares: Middle Eastern, 0.016%; no homozygotes.

Submissions (2):

Labcorp Genetics (formerly Invitae), Labcorp
Classification: Likely benign for Fanconi anemia. Last evaluated: 2025-02-15. Review status: criteria provided, single submitter. Criteria: Invitae Variant Classification Sherloc (09022015). Collection method: clinical testing. Allele origin: germline.

PreventionGenetics, part of Exact Sciences
Classification: Likely benign for SLX4-related condition. Last evaluated: 2020-06-29. Review status: no assertion criteria provided. Collection method: clinical testing. Allele origin: germline. Not counted in ClinVar's aggregate classification.
Comment: This variant is classified as likely benign based on ACMG/AMP sequence variant interpretation guidelines (Richards et al. 2015 PMID: 25741868, with internal and published modifications).

NM_032444.4(SLX4):c.189A>G (p.Lys63=)

Gene: SLX4 (SLX4 structure-specific endonuclease subunit; minus strand). Cytogenetic location: 16p13.3.
Variant type: single nucleotide variant.
Coding change: c.189A>G on transcript NM_032444.4 (MANE Select); coding-DNA position 189, A replaced by G.
Protein change: p.Lys63=; no amino-acid change (lysine 63 retained).
Molecular consequence: synonymous variant.
Genome position (GRCh38, 1-based): chr16:3,608,776, T>C on the plus strand (A>G on the coding strand, the complement: SLX4 is on the minus strand). VCF-style: chr16-3608776-T-C. GRCh37 (hg19) VCF-style: chr16-3658777-T-C.
Other names: c.189A>G (NM_032444.3).
Identifiers: ClinVar variation 1982484 (VCV001982484.6), dbSNP rs28612736, ClinGen allele CA493393285.